The following is an entry in ClinVar:

NM_000098.3(CPT2):c.676T>C (p.Leu226=)

Gene: CPT2 (carnitine palmitoyltransferase 2; plus strand). Cytogenetic location: 1p32.3.
Variant type: single nucleotide variant.
Coding change: c.676T>C on transcript NM_000098.3 (MANE Select); coding-DNA position 676, T replaced by C.
Protein change: p.Leu226=; no amino-acid change (leucine 226 retained).
Molecular consequence: synonymous variant.
Genome position (GRCh38, 1-based): chr1:53,210,350, T>C. VCF-style: chr1-53210350-T-C. GRCh37 (hg19) VCF-style: chr1-53676022-T-C.
Other names: c.676T>C, p.Leu226= (NM_001330589.2); c.676T>C (NM_000098.2).
Identifiers: ClinVar variation 2156795 (VCV002156795.5), dbSNP rs147889730, ClinGen allele CA859032.

ClinVar aggregate classification (germline): Likely benign. Review status: criteria provided, single submitter (1 of 4 stars). 2 submissions from 2 submitters: Likely benign (1). 1 of the submissions does not count toward it. Last evaluated 2026-01-10.

Conditions:
Carnitine palmitoyltransferase II deficiency. Also called: Carnitine Palmitoyltransferase 2 Deficiency. Identifiers: Orphanet 157, MedGen C0342790, MONDO:0015515.
CPT2-related disorder. Also called: CPT2-related condition.

Allele frequency attached by ClinVar (database versions not stated): gnomAD exomes below 0.00001; ExAC 0.00001; gnomAD 0.00002; TOPMed 0.00002; ESP Exome Variant Server 0.00008.

Submissions (2):

Labcorp Genetics (formerly Invitae), Labcorp
Classification: Likely benign for Carnitine palmitoyltransferase II deficiency. Last evaluated: 2026-01-10. Review status: criteria provided, single submitter. Criteria: Invitae Variant Classification Sherloc (09022015). Collection method: clinical testing. Allele origin: germline.

PreventionGenetics, part of Exact Sciences
Classification: Likely benign for CPT2-related condition. Last evaluated: 2024-04-17. Review status: no assertion criteria provided. Collection method: clinical testing. Allele origin: germline. Not counted in ClinVar's aggregate classification.
Comment: This variant is classified as likely benign based on ACMG/AMP sequence variant interpretation guidelines (Richards et al. 2015 PMID: 25741868, with internal and published modifications).